The following is an entry in ClinVar:

NM_007294.4(BRCA1):c.4524del (p.Trp1508fs)

Gene: BRCA1 (BRCA1 DNA repair associated; minus strand). Cytogenetic location: 17q21.31.
Variant type: Deletion.
Coding change: c.4524del on transcript NM_007294.4 (MANE Select); coding-DNA position 4524, one base deleted (G; older notation c.4524delG).
Protein change: p.Trp1508fs; shifts the reading frame from tryptophan 1508.
Molecular consequence: frameshift variant. On other transcripts: intron variant (3).
Genome position (GRCh38, 1-based): chr17:43,074,482, C deleted on the plus strand (G on the coding strand, the reverse complement: BRCA1 is on the minus strand); the first of 2 consecutive C bases (chr17:43,074,482-43,074,483); deleting either gives the same sequence. VCF-style (leftmost placement, unchanged base first): chr17-43074481-AC-A. GRCh37 (hg19) VCF-style: chr17-41226498-AC-A.
Other names: p.Trp1508Cysfs*40; c.885del, p.Trp295fs (NM_001408507.1); c.876del, p.Trp292fs (NM_001408508.1); c.873del, p.Trp291fs (NM_001408509.1); c.834del, p.Trp278fs (NM_001408510.1); c.831del, p.Trp277fs (NM_001408511.1); c.711del, p.Trp237fs (NM_001408512.1); c.4383del, p.Trp1461fs (NM_007297.4, NM_001407692.1, NM_001407694.1 and 13 more transcripts); and 72 more; short protein forms W1211fs, W1212fs, W1339fs, W1379fs, W1380fs, W1381fs, W1395fs, W1396fs.
Identifiers: ClinVar variation 3381161 (VCV003381161.3).

ClinVar aggregate classification (germline): Pathogenic. Review status: criteria provided, multiple submitters, no conflicts (2 of 4 stars). 2 submissions from 2 submitters: Pathogenic (2). Last evaluated 2025-05-05.

Conditions:
Hereditary breast ovarian cancer syndrome. Also called: BRCA1- and BRCA2-Associated Hereditary Breast and Ovarian Cancer; Hereditary breast and ovarian cancer syndrome (HBOC); Breast and ovarian cancer; Hereditary breast and/or ovarian cancer syndrome; Hereditary breast and ovarian cancer; Hereditary breast and ovarian cancer syndrome. Identifiers: Orphanet 145, MedGen C0677776, MeSH D061325, MONDO:0003582. Disease mechanism: loss of function.

Submissions (2):

Labcorp Genetics (formerly Invitae), Labcorp
Classification: Pathogenic for Hereditary breast ovarian cancer syndrome. Last evaluated: 2025-05-05. Review status: criteria provided, single submitter. Criteria: Invitae Variant Classification Sherloc (09022015). Collection method: clinical testing. Allele origin: germline.
Comment: This sequence change creates a premature translational stop signal (p.Trp1508Cysfs*40) in the BRCA1 gene. It is expected to result in an absent or disrupted protein product. Loss-of-function variants in BRCA1 are known to be pathogenic (PMID: 20104584). This variant is not present in population databases (gnomAD no frequency). This variant has not been reported in the literature in individuals affected with BRCA1-related conditions. ClinVar contains an entry for this variant (Variation ID: 3381161). For these reasons, this variant has been classified as Pathogenic.

Mayo Clinic Laboratories, Mayo Clinic
Classification: Pathogenic. Last evaluated: 2024-01-23. Review status: criteria provided, single submitter. Criteria: ACMG Guidelines, 2015. Collection method: clinical testing. Allele origin: germline. Observed: 1 variant allele.
Comment: PM2, PVS1

Literature cited by the submitters: PubMed 20104584 (cited by Labcorp Genetics (formerly Invitae), Labcorp).